The following is an entry in ClinVar:

ClinVar aggregate classification (germline): Likely benign (1 of 4 stars; one submission).

Conditions:
Familial thoracic aortic aneurysm and aortic dissection (TAAD). Also called: Thoracic aortic aneurysms and dissections. Identifiers: Orphanet 91387, MedGen C4707243, MONDO:0019625.

Submission:

All of Us Research Program, National Institutes of Health
Classification: Likely benign for Familial thoracic aortic aneurysm and aortic dissection. Last evaluated: 2024-02-22. Review status: criteria provided, single submitter. Criteria: ACMG Guidelines, 2015. Collection method: clinical testing. Allele origin: germline. Inheritance: Autosomal dominant inheritance. Observed: 1 variant allele, 1 heterozygote.
Comment: This study involves interpretation of variants in research participants for the purpose of population health screening. Participant phenotype was not available at the time of variant classification. Additional details can be found in publication PMID: 35346344, PMCID: PMC8962531

NM_002474.3(MYH11):c.3122-4G>A

Gene: MYH11 (myosin heavy chain 11; minus strand). Cytogenetic location: 16p13.11.
Variant type: single nucleotide variant.
Coding change: c.3122-4G>A on transcript NM_002474.3 (MANE Select); 4 bases into the intron before coding-DNA position 3122, G replaced by A.
Molecular consequence: intron variant.
Genome position (GRCh38, 1-based): chr16:15,737,624, C>T on the plus strand (G>A on the coding strand, the complement: MYH11 is on the minus strand). VCF-style: chr16-15737624-C-T. GRCh37 (hg19) VCF-style: chr16-15831481-C-T.
Other names: c.3122-4G>A (NM_022844.3); c.3143-4G>A (NM_001040114.2, NM_001040113.2).
Identifiers: ClinVar variation 3387202 (VCV003387202.1).